The following is an entry in ClinVar:

NM_003873.7(NRP1):c.2076C>T (p.Phe692=)

Gene: NRP1 (neuropilin 1; minus strand). Cytogenetic location: 10p11.22.
Variant type: single nucleotide variant.
Coding change: c.2076C>T on transcript NM_003873.7 (MANE Select); coding-DNA position 2076, C replaced by T.
Protein change: p.Phe692=; no amino-acid change (phenylalanine 692 retained).
Molecular consequence: synonymous variant. On other transcripts: non-coding transcript variant (1).
Genome position (GRCh38, 1-based): chr10:33,186,475, G>A on the plus strand (C>T on the coding strand, the complement: NRP1 is on the minus strand). VCF-style: chr10-33186475-G-A. GRCh37 (hg19) VCF-style: chr10-33475403-G-A.
Other names: c.2058C>T, p.Phe686= (NM_001244972.2); c.2055C>T, p.Phe685= (NM_001244973.2); c.2076C>T, p.Phe692= (NM_001330068.2).
Identifiers: ClinVar variation 3356273 (VCV003356273.1).

ClinVar aggregate classification (germline): Likely benign (0 of 4 stars; one submission).

Conditions:
NRP1-related disorder. Also called: NRP1-related condition.

gnomAD v4.1: 1 of 1,611,466 alleles (0.000062%); highest among the groups gnomAD compares: South Asian, 0.0011%; no homozygotes.

Submission:

PreventionGenetics, part of Exact Sciences
Classification: Likely benign for NRP1-related condition. Last evaluated: 2024-04-16. Review status: no assertion criteria provided. Collection method: clinical testing. Allele origin: germline.
Comment: This variant is classified as likely benign based on ACMG/AMP sequence variant interpretation guidelines (Richards et al. 2015 PMID: 25741868, with internal and published modifications).